The following is an entry in ClinVar:

NM_014251.3(SLC25A13):c.1884C>T (p.Asn628=)

Gene: SLC25A13 (solute carrier family 25 member 13; minus strand). Cytogenetic location: 7q21.3.
Variant type: single nucleotide variant.
Coding change: c.1884C>T on transcript NM_014251.3 (MANE Select); coding-DNA position 1884, C replaced by T.
Protein change: p.Asn628=; no amino-acid change (asparagine 628 retained).
Molecular consequence: synonymous variant. On other transcripts: non-coding transcript variant (1).
Genome position (GRCh38, 1-based): chr7:96,121,335, G>A on the plus strand (C>T on the coding strand, the complement: SLC25A13 is on the minus strand). VCF-style: chr7-96121335-G-A. GRCh37 (hg19) VCF-style: chr7-95750647-G-A.
Other names: p.Asn628=; c.1887C>T, p.Asn629= (NM_001160210.2).
Identifiers: ClinVar variation 361011 (VCV000361011.29), dbSNP rs35539807, ClinGen allele CA4352750.
Genomic context (GRCh38, chr7:96,121,335, plus strand): 5'-TGCAAATGTAGCAACTGCCAGTTTGTAGCCCCCAACGTGATCAGGATTCGGGGCAGGCAG[G>A]TTGATCCTGGATTTAGGAACTGGCTCTGATCCCATGGGTTTTCTAAAAGAAGAGAAAACA-3'
Protein context (NP_055066.1, residues 618-638): GSEPVPKSRI[Asn628=]LPAPNPDHVG

ClinVar aggregate classification (germline): Benign/Likely benign. Review status: criteria provided, multiple submitters, no conflicts (2 of 4 stars). 7 submissions from 7 submitters: Benign (5); Likely benign (1). 1 of the submissions does not count toward it. Last evaluated 2026-02-04.

Conditions:
Adult-onset citrullinemia type I. Also called: Late-onset citrullinemia. Identifiers: Orphanet 247573, MedGen C0268546, MONDO:0016601.
Citrin deficiency. Identifiers: Orphanet 247582, MedGen C1997910, MONDO:0016602.
Citrullinemia type II. Also called: Citrullinemia Type II (CTLN2). Identifiers: Orphanet 247585, MedGen C1863844, MONDO:0016603.

Allele frequency attached by ClinVar (database versions not stated): gnomAD exomes 0.00256 and 0.00667; ExAC 0.00794; gnomAD 0.02453 and 0.02629; 1000 Genomes Project 0.02676; TOPMed 0.02800; 1000 Genomes Project 30x 0.02811; ESP Exome Variant Server 0.02822.
gnomAD v4.1: 7,636 of 1,614,162 alleles (0.47%); highest among the groups gnomAD compares: African/African-American, 8.6%; 298 homozygotes.

Submissions (7):

Labcorp Genetics (formerly Invitae), Labcorp
Classification: Benign for Citrin deficiency. Last evaluated: 2026-02-04. Review status: criteria provided, single submitter. Criteria: Invitae Variant Classification Sherloc (09022015). Collection method: clinical testing. Allele origin: germline.

Mayo Clinic Laboratories, Mayo Clinic
Classification: Benign. Last evaluated: 2022-04-29. Review status: criteria provided, single submitter. Criteria: ACMG Guidelines, 2015. Collection method: clinical testing. Allele origin: germline. Observed: 21 variant alleles.

ARUP Laboratories, Molecular Genetics and Genomics, ARUP Laboratories
Classification: Benign. Last evaluated: 2020-12-17. Review status: criteria provided, single submitter. Criteria: ARUP Molecular Germline Variant Investigation Process 2021. Collection method: clinical testing. Allele origin: germline.

Illumina Laboratory Services, Illumina
Classification: Benign for Citrullinemia, type II, adult-onset. Last evaluated: 2018-01-13. Review status: criteria provided, single submitter. Criteria: ICSL Variant Classification Criteria 13 December 2019. Collection method: clinical testing. Allele origin: germline.
Comment: This variant was observed in the ICSL laboratory as part of a predisposition screen in an ostensibly healthy population. It had not been previously curated by ICSL or reported in the Human Gene Mutation Database (HGMD: prior to June 1st, 2018), and was therefore a candidate for classification through an automated scoring system. Utilizing variant allele frequency, disease prevalence and penetrance estimates, and inheritance mode, an automated score was calculated to assess if this variant is too frequent to cause the disease. Based on the score and internal cut-off values, a variant classified as benign is not then subjected to further curation. The score for this variant resulted in a classification of benign for this disease.

GeneDx
Classification: Benign. Last evaluated: 2015-03-03. Review status: criteria provided, single submitter. Criteria: GeneDx Variant Classification Process June 2021. Collection method: clinical testing. Allele origin: germline. Affected: yes.

Breakthrough Genomics
Classification: Likely benign. Review status: criteria provided, single submitter. Criteria: ACMG Guidelines, 2015. Collection method: not provided. Allele origin: germline. Inheritance: Autosomal recessive inheritance. Affected: yes.

Natera, Inc.
Classification: Benign for Late-onset citrullinemia. Last evaluated: 2020-09-16. Review status: no assertion criteria provided. Collection method: clinical testing. Allele origin: germline. Not counted in ClinVar's aggregate classification.